The following is an entry in ClinVar:

ClinVar aggregate classification (germline): Uncertain significance (1 of 4 stars; one submission).

Conditions:
Myopathy, proximal, and ophthalmoplegia (CMYO6). Also called: MYOPATHY WITH CONGENITAL JOINT CONTRACTURES, OPHTHALMOPLEGIA, AND RIMMED VACUOLES; CONGENITAL MYOPATHY 6 WITH OPHTHALMOPLEGIA; INCLUSION BODY MYOPATHY 3, AUTOSOMAL DOMINANT. Identifiers: Orphanet 363677, Orphanet 79091, MedGen C1854106, MONDO:0011577, OMIM 605637.

Submission:

Labcorp Genetics (formerly Invitae), Labcorp
Classification: Uncertain significance for Myopathy, proximal, and ophthalmoplegia. Last evaluated: 2025-09-27. Review status: criteria provided, single submitter. Criteria: Invitae Variant Classification Sherloc (09022015). Collection method: clinical testing. Allele origin: germline.
Comment: This variant, c.4860_4862del, results in the deletion of 1 amino acid(s) of the MYH2 protein (p.Lys1623del), but otherwise preserves the integrity of the reading frame. This variant is not present in population databases (gnomAD no frequency). This variant has not been reported in the literature in individuals affected with MYH2-related conditions. Experimental studies and prediction algorithms are not available or were not evaluated, and the functional significance of this variant is currently unknown. In summary, the available evidence is currently insufficient to determine the role of this variant in disease. Therefore, it has been classified as a Variant of Uncertain Significance.

NM_017534.6(MYH2):c.4860_4862del (p.Lys1623del)

Genes: MYHAS (myosin heavy chain gene cluster antisense RNA; plus strand), MYH2 (myosin heavy chain 2; minus strand), LOC126862500 (BRD4-independent group 4 enhancer GRCh37_chr17:10427829-10429028; plus strand). Cytogenetic location: 17p13.1.
Variant type: Deletion.
Coding change: c.4860_4862del on transcript NM_017534.6 (MANE Select); coding-DNA positions 4860 to 4862, 3 bases deleted (CAA; older notation c.4860_4862delCAA).
Protein change: p.Lys1623del; deletes lysine 1623.
Molecular consequence: inframe deletion.
Genome position (GRCh38, 1-based): chr17:10,524,866-10,524,868, TTG deleted on the plus strand (CAA on the coding strand, the reverse complement: MYH2 is on the minus strand). VCF-style (leftmost placement, unchanged base first): chr17-10524865-CTTG-C. GRCh37 (hg19) VCF-style: chr17-10428182-CTTG-C.
Other names: c.4860_4862del, p.Lys1623del (NM_001100112.2); short protein forms K1623del.
Identifiers: ClinVar variation 4727954 (VCV004727954.1).